The following is an entry in ClinVar:

NM_138694.4(PKHD1):c.7811G>A (p.Arg2604His)

Gene: PKHD1 (PKHD1 ciliary IPT domain containing fibrocystin/polyductin; minus strand). Cytogenetic location: 6p12.2.
Variant type: single nucleotide variant.
Coding change: c.7811G>A on transcript NM_138694.4 (MANE Select); coding-DNA position 7811, G replaced by A.
Protein change: p.Arg2604His; replaces arginine 2604 with histidine.
Molecular consequence: missense variant.
Genome position (GRCh38, 1-based): chr6:51,855,993, C>T on the plus strand (G>A on the coding strand, the complement: PKHD1 is on the minus strand). VCF-style: chr6-51855993-C-T. GRCh37 (hg19) VCF-style: chr6-51720791-C-T.
Other names: c.7811G>A, p.Arg2604His (NM_170724.3); c.7811G>A (NM_138694.3); short protein forms R2604H.
Identifiers: ClinVar variation 1954291 (VCV001954291.4), dbSNP rs375311338, ClinGen allele CA3851829.

ClinVar aggregate classification (germline): Uncertain significance. Review status: criteria provided, multiple submitters, no conflicts (2 of 4 stars). 3 submissions from 3 submitters: Uncertain significance (3). Last evaluated 2026-07-07.

Conditions:
PKHD1-related disorder. Also called: PKHD1-related condition.
Polycystic kidney disease 4 (PKD4). Also called: POLYCYSTIC KIDNEY AND HEPATIC DISEASE 1; POLYCYSTIC KIDNEY DISEASE, INFANTILE, TYPE I; POLYCYSTIC KIDNEY DISEASE 4 WITH OR WITHOUT POLYCYSTIC LIVER DISEASE; PKD3; Autosomal Recessive Polycystic Kidney Disease – PKHD1. Identifiers: MedGen C4540575, MONDO:0033004, OMIM 263200.
Autosomal recessive polycystic kidney disease (ARPKD). Also called: AR polycystic kidney disease. Identifiers: Orphanet 731, Orphanet 8378, MedGen C0085548, MeSH D017044, MONDO:0009889.

Allele frequency attached by ClinVar (database versions not stated): gnomAD exomes 0.00001; TOPMed 0.00001; ESP Exome Variant Server 0.00008.
gnomAD v4.1: 22 of 1,608,720 alleles (0.0014%); highest among the groups gnomAD compares: South Asian, 0.0055%; no homozygotes.

Submissions (3):

PreventionGenetics, part of Exact Sciences
Classification: Uncertain significance for PKHD1-related condition. Last evaluated: 2026-07-07. Review status: criteria provided, single submitter. Criteria: ACMG Guidelines, 2015. Collection method: clinical testing. Allele origin: germline.
Comment: The PKHD1 c.7811G>A variant is predicted to result in the amino acid substitution p.Arg2604His. To our knowledge, this variant has not been reported in the literature. This variant is reported in 0.0040% of alleles in individuals of African descent in gnomAD. At this time, the clinical significance of this variant is uncertain due to the absence of conclusive functional and genetic evidence.

Fulgent Genetics
Classification: Uncertain significance for Polycystic kidney disease 4. Last evaluated: 2024-05-22. Review status: criteria provided, single submitter. Criteria: ACMG Guidelines, 2015. Collection method: clinical testing. Allele origin: germline.

Labcorp Genetics (formerly Invitae), Labcorp
Classification: Uncertain significance for Autosomal recessive polycystic kidney disease. Last evaluated: 2021-09-17. Review status: criteria provided, single submitter. Criteria: Invitae Variant Classification Sherloc (09022015). Collection method: clinical testing. Allele origin: germline.
Comment: This sequence change replaces arginine with histidine at codon 2604 of the PKHD1 protein (p.Arg2604His). The arginine residue is weakly conserved and there is a small physicochemical difference between arginine and histidine. This variant is present in population databases (rs375311338, ExAC 0.009%). This variant has not been reported in the literature in individuals with PKHD1-related conditions. Algorithms developed to predict the effect of missense changes on protein structure and function output the following: SIFT: "Tolerated"; PolyPhen-2: "Benign"; Align-GVGD: "Class C0". The histidine amino acid residue is found in multiple mammalian species, suggesting that this missense change does not adversely affect protein function. These predictions have not been confirmed by published functional studies and their clinical significance is uncertain. In summary, the available evidence is currently insufficient to determine the role of this variant in disease. Therefore, it has been classified as a Variant of Uncertain Significance.